The following is an entry in ClinVar:

NM_003737.4(DCHS1):c.6403G>T (p.Glu2135Ter)

Gene: DCHS1 (dachsous cadherin-related 1; minus strand). Cytogenetic location: 11p15.4.
Variant type: single nucleotide variant.
Coding change: c.6403G>T on transcript NM_003737.4 (MANE Select); coding-DNA position 6403, G replaced by T.
Protein change: p.Glu2135Ter; replaces glutamic acid 2135 with a stop codon.
Molecular consequence: nonsense.
Genome position (GRCh38, 1-based): chr11:6,626,342, C>A on the plus strand (G>T on the coding strand, the complement: DCHS1 is on the minus strand). VCF-style: chr11-6626342-C-A. GRCh37 (hg19) VCF-style: chr11-6647573-C-A.
Other names: short protein forms E2135*.
Identifiers: ClinVar variation 4729653 (VCV004729653.1).

ClinVar aggregate classification (germline): Pathogenic (1 of 4 stars; one submission).

Submission:

Labcorp Genetics (formerly Invitae), Labcorp
Classification: Pathogenic. Last evaluated: 2025-10-22. Review status: criteria provided, single submitter. Criteria: Invitae Variant Classification Sherloc (09022015). Collection method: clinical testing. Allele origin: germline.
Comment: This sequence change creates a premature translational stop signal (p.Glu2135*) in the DCHS1 gene. It is expected to result in an absent or disrupted protein product. Loss-of-function variants in DCHS1 are known to be pathogenic (PMID: 24056717, 26258302). This variant is not present in population databases (gnomAD no frequency). This variant has not been reported in the literature in individuals affected with DCHS1-related conditions. For these reasons, this variant has been classified as Pathogenic.

Literature cited by the submitters: PubMed 24056717; PubMed 26258302.